The following continues an entry in ClinVar:

NM_000059.4(BRCA2):c.4828G>A (p.Val1610Met)

Gene: BRCA2. ClinVar aggregate classification (germline): Conflicting classifications of pathogenicity. Uncertain significance (3); Benign (4); Likely benign (7).

Submissions 18 to 19 of 19:

Breast Cancer Information Core (BIC) (BRCA2)
Classification: Uncertain significance for Breast-ovarian cancer, familial 2. Last evaluated: 2004-02-20. Review status: no assertion criteria provided. Collection method: clinical testing. Allele origin: germline. Affected: yes. Observed: 7 variant alleles. Not counted in ClinVar's aggregate classification.

Department of Pathology and Laboratory Medicine, Sinai Health System
Classification: Likely benign. Review status: no assertion criteria provided. Collection method: clinical testing. Allele origin: unknown. Affected: yes. Study: The Canadian Open Genetics Repository (COGR). Not counted in ClinVar's aggregate classification.
Comment: The BRCA2 p.Val1610Met variant was identified in 6 of 8922 proband chromosomes (frequency: 0.0007) from individuals with hereditary breast and ovarian cancer and prostate cancer (Simard 2007, Caminsky 2016, Jarhelle 2016, Dolman 2013, Kote-Jarai 2011, Lee 2008). The variant was identified in dbSNP (rs80358705) as â€šÃ„Ãºwith other alleleâ€šÃ„Ã¹, in ClinVar (interpreted as "uncertain significance" by Sinai Health System and 3 others, "benign" Invitae and 2 others and "likely benign" by Ambry Genetics and 1 other), LOVD 3.0 (observed 2x) and UMD-LSDB (observed 3x). The variant was identified in control databases in 23 of 245,458 chromosomes at a frequency of 0.00009 increasing the likelihood this could be a low frequency benign variant (Genome Aggregation Database Feb 27, 2017). The variant was observed in the following populations: European in 23 of 111,150 chromosomes (freq: 0.0002), while the variant was not observed in the African, Other, Latino, Ashkenazi Jewish, East Asian, Finnish, and South Asian populations. In the UMD-LSDB database, the variant co-occurred with a pathogenic BRCA1 variant (p.Arg1443*). Additionally, a clinical laboratory reported the variant occurred with another pathogenic BRCA1 variant (p.Glu1161fsX3). The p.Val1610 residue is not conserved in mammals and computational analyses (PolyPhen-2, SIFT, AlignGVGD, BLOSUM, MutationTaster) do not suggest a high likelihood of impact to the protein; however, this information is not predictive enough to rule out pathogenicity. The variant occurs outside of the splicing consensus sequence and in silico or computational prediction software programs (SpliceSiteFinder, MaxEntScan, NNSPLICE, GeneSplicer) do not predict a difference in splicing. In summary, based on the above information the clinical significance of this variant cannot be determined with certainty at this time although we would lean towards a more benign role for this variant. This variant is classified as likely benign.

Literature cited by the submitters: PubMed 26898890 (cited by 4 submitters); PubMed 16905680 (cited by 4 submitters); PubMed 27495310 (cited by 5 submitters); PubMed 18284688 (cited by 3 submitters); PubMed 21952622 (cited by 3 submitters); PubMed 31131967 (cited by Laboratory for Molecular Medicine, Mass General Brigham Personalized Medicine); PubMed 33471991 (cited by Sema4); PubMed 25479140 (cited by Sema4); PubMed 25348012 (cited by Women's Health and Genetics/Laboratory Corporation of America, LabCorp); PubMed 31112341 (cited by Women's Health and Genetics/Laboratory Corporation of America, LabCorp); PubMed 31294896 (cited by Women's Health and Genetics/Laboratory Corporation of America, LabCorp).